The following is an entry in ClinVar:

ClinVar aggregate classification (germline): Benign/Likely benign. Review status: criteria provided, multiple submitters, no conflicts (2 of 4 stars). 2 submissions from 2 submitters: Benign (1); Likely benign (1). Last evaluated 2025-06-09.

Conditions:
Pheochromocytoma/paraganglioma syndrome 5. Also called: Paragangliomas 5; SDHA-Related Hereditary Paraganglioma-Pheochromocytoma Syndrome. Identifiers: Orphanet 29072, MedGen C3279992, MONDO:0013602, OMIM 614165.
Mitochondrial complex II deficiency, nuclear type 1. Also called: SUCCINATE CoQ REDUCTASE DEFICIENCY. Identifiers: Orphanet 3208, MedGen C5700310, MONDO:0100294, OMIM 252011.

Allele frequency attached by ClinVar (database versions not stated): TOPMed below 0.00001.

Submissions (2):

Labcorp Genetics (formerly Invitae), Labcorp
Classification: Likely benign for Pheochromocytoma/paraganglioma syndrome 5; Mitochondrial complex II deficiency, nuclear type 1. Last evaluated: 2025-06-09. Review status: criteria provided, single submitter. Criteria: Invitae Variant Classification Sherloc (09022015). Collection method: clinical testing. Allele origin: germline.

Myriad Genetics, Inc.
Classification: Benign for Pheochromocytoma/paraganglioma syndrome 5. Last evaluated: 2025-03-03. Review status: criteria provided, single submitter. Criteria: Myriad Autosomal Dominant, Autosomal Recessive and X-Linked Classification Criteria (2023). Collection method: clinical testing. Allele origin: unknown.
Comment: This variant is considered benign. This variant is a silent/synonymous amino acid change and it is not expected to impact splicing.

NM_004168.4(SDHA):c.828C>A (p.Gly276=)

Gene: SDHA (succinate dehydrogenase complex flavoprotein subunit A; plus strand). Cytogenetic location: 5p15.33.
Variant type: single nucleotide variant.
Coding change: c.828C>A on transcript NM_004168.4 (MANE Select); coding-DNA position 828, C replaced by A.
Protein change: p.Gly276=; no amino-acid change (glycine 276 retained).
Molecular consequence: synonymous variant.
Genome position (GRCh38, 1-based): chr5:230,933, C>A. VCF-style: chr5-230933-C-A. GRCh37 (hg19) VCF-style: chr5-231048-C-A.
Other names: c.684C>A, p.Gly228= (NM_001294332.2); c.828C>A, p.Gly276= (NM_001330758.2).
Identifiers: ClinVar variation 1134131 (VCV001134131.10), dbSNP rs754910183, ClinGen allele CA112822486.